The following is an entry in ClinVar:

ClinVar aggregate classification (germline): Uncertain significance (1 of 4 stars; one submission).

Conditions:
Charcot-Marie-Tooth disease axonal type 2P. Also called: Charcot-Marie-Tooth Neuropathy Type 2G; CHARCOT-MARIE-TOOTH NEUROPATHY, TYPE 2P; CHARCOT-MARIE-TOOTH DISEASE, AXONAL, TYPE 2G; CMT 2G. Identifiers: Orphanet 300319, Orphanet 99941, MedGen C3280797, MONDO:0013753, OMIM 614436.

Allele frequency attached by ClinVar (database versions not stated): TOPMed below 0.00001.
gnomAD v4.1: 6 of 1,612,202 alleles (0.00037%); highest among the groups gnomAD compares: Non-Finnish European, 0.00051%; no homozygotes.

Submission:

Labcorp Genetics (formerly Invitae), Labcorp
Classification: Uncertain significance for Charcot-Marie-Tooth disease axonal type 2P. Last evaluated: 2025-02-12. Review status: criteria provided, single submitter. Criteria: Invitae Variant Classification Sherloc (09022015). Collection method: clinical testing. Allele origin: germline.
Comment: This sequence change replaces isoleucine, which is neutral and non-polar, with valine, which is neutral and non-polar, at codon 686 of the LRSAM1 protein (p.Ile686Val). This variant is not present in population databases (gnomAD no frequency). This variant has not been reported in the literature in individuals affected with LRSAM1-related conditions. ClinVar contains an entry for this variant (Variation ID: 1486610). Invitae Evidence Modeling of protein sequence and biophysical properties (such as structural, functional, and spatial information, amino acid conservation, physicochemical variation, residue mobility, and thermodynamic stability) indicates that this missense variant is not expected to disrupt LRSAM1 protein function with a negative predictive value of 80%. In summary, the available evidence is currently insufficient to determine the role of this variant in disease. Therefore, it has been classified as a Variant of Uncertain Significance.

NM_001005373.4(LRSAM1):c.2056A>G (p.Ile686Val)

Gene: LRSAM1 (leucine rich repeat and sterile alpha motif containing 1; plus strand). Cytogenetic location: 9q34.11.
Variant type: single nucleotide variant.
Coding change: c.2056A>G on transcript NM_001005373.4 (MANE Select); coding-DNA position 2056, A replaced by G.
Protein change: p.Ile686Val; replaces isoleucine 686 with valine.
Molecular consequence: missense variant. On other transcripts: non-coding transcript variant (2).
Genome position (GRCh38, 1-based): chr9:127,502,783, A>G. VCF-style: chr9-127502783-A-G. GRCh37 (hg19) VCF-style: chr9-130265062-A-G.
Other names: c.2056A>G, p.Ile686Val (NM_001005374.4, NM_001384142.1, NM_138361.5); c.1975A>G, p.Ile659Val (NM_001190723.3); c.1957A>G, p.Ile653Val (NM_001384143.1); c.1267A>G, p.Ile423Val (NM_001384144.1); short protein forms I686V, I423V, I653V, I659V.
Identifiers: ClinVar variation 1486610 (VCV001486610.6), dbSNP rs1836444367, ClinGen allele CA374938485.